The following is an entry in ClinVar:

NM_002381.5(MATN3):c.625C>T (p.Arg209Trp)

Gene: MATN3 (matrilin 3; minus strand). Cytogenetic location: 2p24.1.
Variant type: single nucleotide variant.
Coding change: c.625C>T on transcript NM_002381.5 (MANE Select); coding-DNA position 625, C replaced by T.
Protein change: p.Arg209Trp; replaces arginine 209 with tryptophan.
Molecular consequence: missense variant.
Genome position (GRCh38, 1-based): chr2:20,005,909, G>A on the plus strand (C>T on the coding strand, the complement: MATN3 is on the minus strand). VCF-style: chr2-20005909-G-A. GRCh37 (hg19) VCF-style: chr2-20205670-G-A.
Other names: short protein forms R209W.
Identifiers: ClinVar variation 1987142 (VCV001987142.4), dbSNP rs375487489, ClinGen allele CA1543940.
Genomic context (GRCh38, chr2:20,005,909, plus strand): 5'-ACGCCATGTCTGCCCGGTCCACGCCCACAGCATAGAGCTCAATACCAGATGCTTGGGCCC[G>A]AGCCGCCACCTCATTCACCTGGTCCTGGGGCCTCCCATCTGTAACAATGATGGCCACCTT-3'
Protein context (NP_002372.1, residues 199-219): PQDQVNEVAA[Arg209Trp]AQASGIELYA

ClinVar aggregate classification (germline): Uncertain significance (1 of 4 stars; one submission).

Allele frequency attached by ClinVar (database versions not stated): gnomAD 0.00003; ESP Exome Variant Server 0.00008; 1000 Genomes Project 30x 0.00016; 1000 Genomes Project 0.00020.

Submission:

Labcorp Genetics (formerly Invitae), Labcorp
Classification: Uncertain significance. Last evaluated: 2023-06-23. Review status: criteria provided, single submitter. Criteria: Invitae Variant Classification Sherloc (09022015). Collection method: clinical testing. Allele origin: germline.
Comment: This sequence change replaces arginine, which is basic and polar, with tryptophan, which is neutral and slightly polar, at codon 209 of the MATN3 protein (p.Arg209Trp). This variant is present in population databases (rs375487489, gnomAD 0.007%). This variant has not been reported in the literature in individuals affected with MATN3-related conditions. ClinVar contains an entry for this variant (Variation ID: 1987142). Advanced modeling of protein sequence and biophysical properties (such as structural, functional, and spatial information, amino acid conservation, physicochemical variation, residue mobility, and thermodynamic stability) performed at Invitae indicates that this missense variant is not expected to disrupt MATN3 protein function. In summary, the available evidence is currently insufficient to determine the role of this variant in disease. Therefore, it has been classified as a Variant of Uncertain Significance.